The following is an entry in ClinVar:

ClinVar aggregate classification (germline): Likely benign (1 of 4 stars; one submission).

gnomAD v4.1: 96 of 1,613,638 alleles (0.0059%); highest among the groups gnomAD compares: East Asian, 0.21%; no homozygotes.

Submission:

CeGaT Center for Human Genetics Tuebingen
Classification: Likely benign. Last evaluated: 2025-01-01. Review status: criteria provided, single submitter. Criteria: CeGaT Center For Human Genetics Tuebingen Variant Classification Criteria Version 2. Collection method: clinical testing. Allele origin: germline. Affected: yes. Observed: 1 variant allele.
Comment: TMEM94: BP4, BP7

NM_014738.6(TMEM94):c.3417G>A (p.Leu1139=)

Gene: TMEM94 (transmembrane protein 94; plus strand). Cytogenetic location: 17q25.1.
Variant type: single nucleotide variant.
Coding change: c.3417G>A on transcript NM_014738.6 (MANE Select); coding-DNA position 3417, G replaced by A.
Protein change: p.Leu1139=; no amino-acid change (leucine 1139 retained).
Molecular consequence: synonymous variant.
Genome position (GRCh38, 1-based): chr17:75,497,790, G>A. VCF-style: chr17-75497790-G-A. GRCh37 (hg19) VCF-style: chr17-73493871-G-A.
Other names: c.3447G>A, p.Leu1149= (NM_001321148.2); c.3429G>A, p.Leu1143= (NM_001321149.2); c.3369G>A, p.Leu1123= (NM_001351202.2); c.3444G>A, p.Leu1148= (NM_001351203.2).
Identifiers: ClinVar variation 3771083 (VCV003771083.13).